The following is an entry in ClinVar:

NM_018060.4(IARS2):c.2307+6T>C

Gene: IARS2 (isoleucyl-tRNA synthetase 2, mitochondrial; plus strand). Cytogenetic location: 1q41.
Variant type: single nucleotide variant.
Coding change: c.2307+6T>C on transcript NM_018060.4 (MANE Select); 6 bases into the intron after coding-DNA position 2307, T replaced by C.
Molecular consequence: intron variant.
Genome position (GRCh38, 1-based): chr1:220,139,145, T>C. VCF-style: chr1-220139145-T-C. GRCh37 (hg19) VCF-style: chr1-220312487-T-C.
Identifiers: ClinVar variation 1428320 (VCV001428320.6), dbSNP rs200946043, ClinGen allele CA1401727.

ClinVar aggregate classification (germline): Uncertain significance (1 of 4 stars; one submission).

Allele frequency attached by ClinVar (database versions not stated): gnomAD 0.00003; gnomAD exomes 0.00003 and 0.00005; TOPMed 0.00003; ExAC 0.00004.
gnomAD v4.1: 77 of 1,599,410 alleles (0.0048%); highest among the groups gnomAD compares: Non-Finnish European, 0.0062%; no homozygotes.

Submission:

Labcorp Genetics (formerly Invitae), Labcorp
Classification: Uncertain significance. Last evaluated: 2024-11-18. Review status: criteria provided, single submitter. Criteria: Invitae Variant Classification Sherloc (09022015). Collection method: clinical testing. Allele origin: germline.
Comment: This sequence change falls in intron 18 of the IARS2 gene. It does not directly change the encoded amino acid sequence of the IARS2 protein. It affects a nucleotide within the consensus splice site. This variant is present in population databases (rs200946043, gnomAD 0.007%). This variant has not been reported in the literature in individuals affected with IARS2-related conditions. ClinVar contains an entry for this variant (Variation ID: 1428320). Variants that disrupt the consensus splice site are a relatively common cause of aberrant splicing (PMID: 17576681, 9536098). Algorithms developed to predict the effect of sequence changes on RNA splicing suggest that this variant is not likely to affect RNA splicing. In summary, the available evidence is currently insufficient to determine the role of this variant in disease. Therefore, it has been classified as a Variant of Uncertain Significance.

Literature cited by the submitters: PubMed 17576681; PubMed 9536098.